The following is an entry in ClinVar:

NM_000784.4(CYP27A1):c.77G>A (p.Arg26Lys)

Gene: CYP27A1 (cytochrome P450 family 27 subfamily A member 1; plus strand). Cytogenetic location: 2q35.
Variant type: single nucleotide variant.
Coding change: c.77G>A on transcript NM_000784.4 (MANE Select); coding-DNA position 77, G replaced by A.
Protein change: p.Arg26Lys; replaces arginine 26 with lysine.
Molecular consequence: missense variant.
Genome position (GRCh38, 1-based): chr2:218,782,259, G>A. VCF-style: chr2-218782259-G-A. GRCh37 (hg19) VCF-style: chr2-219646982-G-A.
Other names: short protein forms R26K.
Identifiers: ClinVar variation 1365404 (VCV001365404.4), dbSNP rs192494481, ClinGen allele CA65813711.

ClinVar aggregate classification (germline): Uncertain significance (1 of 4 stars; one submission).

Conditions:
Cholestanol storage disease (CTX). Also called: CEREBRAL CHOLESTERINOSIS; Cerebrotendinous Xanthomatosis; CTX: Cerebrotendinous xanthomatosis. Identifiers: Orphanet 909, MedGen C0238052, MONDO:0008948, OMIM 213700.

Allele frequency attached by ClinVar (database versions not stated): gnomAD 0.00001; gnomAD exomes 0.00001; 1000 Genomes Project 30x 0.00016; 1000 Genomes Project 0.00020.
gnomAD v4.1: 4 of 1,561,080 alleles (0.00026%); highest among the groups gnomAD compares: Admixed American, 0.0076%; no homozygotes.

Submission:

Labcorp Genetics (formerly Invitae), Labcorp
Classification: Uncertain significance for Cholestanol storage disease. Last evaluated: 2023-11-24. Review status: criteria provided, single submitter. Criteria: Invitae Variant Classification Sherloc (09022015). Collection method: clinical testing. Allele origin: germline.
Comment: This sequence change replaces arginine, which is basic and polar, with lysine, which is basic and polar, at codon 26 of the CYP27A1 protein (p.Arg26Lys). This variant is not present in population databases (gnomAD no frequency). This missense change has been observed in individual(s) with coronary artery disease (PMID: 24080357). ClinVar contains an entry for this variant (Variation ID: 1365404). Advanced modeling of protein sequence and biophysical properties (such as structural, functional, and spatial information, amino acid conservation, physicochemical variation, residue mobility, and thermodynamic stability) performed at Invitae indicates that this missense variant is not expected to disrupt CYP27A1 protein function with a negative predictive value of 95%. In summary, the available evidence is currently insufficient to determine the role of this variant in disease. Therefore, it has been classified as a Variant of Uncertain Significance.

Literature cited by the submitters: PubMed 24080357.